The following is an entry in ClinVar:

ClinVar aggregate classification (germline): Uncertain significance (1 of 4 stars; one submission).

Submission:

GeneDx
Classification: Uncertain significance. Last evaluated: 2019-12-12. Review status: criteria provided, single submitter. Criteria: GeneDx Variant Classification Process June 2021. Collection method: clinical testing. Allele origin: germline. Affected: yes.
Comment: Not observed in large population cohorts (Lek et al., 2016); In silico analysis, which includes protein predictors and evolutionary conservation, supports that this variant does not alter protein structure/function; Has not been previously published as pathogenic or benign to our knowledge

NM_004171.4(SLC1A2):c.356G>A (p.Arg119Lys)

Gene: SLC1A2 (solute carrier family 1 member 2; minus strand). Cytogenetic location: 11p13.
Variant type: single nucleotide variant.
Coding change: c.356G>A on transcript NM_004171.4 (MANE Select); coding-DNA position 356, G replaced by A.
Protein change: p.Arg119Lys; replaces arginine 119 with lysine.
Molecular consequence: missense variant.
Genome position (GRCh38, 1-based): chr11:35,312,403, C>T on the plus strand (G>A on the coding strand, the complement: SLC1A2 is on the minus strand). VCF-style: chr11-35312403-C-T. GRCh37 (hg19) VCF-style: chr11-35333950-C-T.
Other names: c.329G>A, p.Arg110Lys (NM_001195728.3, NM_001252652.2); short protein forms R110K, R119K.
Identifiers: ClinVar variation 1311142 (VCV001311142.2), dbSNP rs144194604, ClinGen allele CA380129657.
Genomic context (GRCh38, chr11:35,312,403, plus strand): 5'-ACCAGAATGACCCCCAGTACTGCAGCAATGATGGTCGTGGACATGTAATACACCATGGCT[C>T]TCGTGCCCAAGCGGCCACTAGCCTTAGCATCCAGGCCTGACAACCCTGGATTGAAAAGAA-3'
Protein context (NP_004162.2, residues 109-129): DAKASGRLGT[Arg119Lys]AMVYYMSTTI